The following is an entry in ClinVar:

NM_020937.4(FANCM):c.4336G>A (p.Val1446Ile)

Gene: FANCM (FA complementation group M; plus strand). Cytogenetic location: 14q21.2.
Variant type: single nucleotide variant.
Coding change: c.4336G>A on transcript NM_020937.4 (MANE Select); coding-DNA position 4336, G replaced by A.
Protein change: p.Val1446Ile; replaces valine 1446 with isoleucine.
Molecular consequence: missense variant.
Genome position (GRCh38, 1-based): chr14:45,181,655, G>A. VCF-style: chr14-45181655-G-A. GRCh37 (hg19) VCF-style: chr14-45650858-G-A.
Other names: c.4258G>A, p.Val1420Ile (NM_001308133.2); short protein forms V1446I, V1420I.
Identifiers: ClinVar variation 3576588 (VCV003576588.3).
Genomic context (GRCh38, chr14:45,181,655, plus strand): 5'-GCTGAGACTTTTGTTGCCTTTTACTTTATTTACTTACTTTAGGATCAGAAAAATAGTGAA[G>A]TTGATTCTCCACTTCATGCTGTCAAAAAGCGCAGATTTCCTATAAACAGAGTAAGTAAAT-3'
Protein context (NP_065988.1, residues 1436-1456): NSPEDQKNSE[Val1446Ile]DSPLHAVKKR

ClinVar aggregate classification (germline): Uncertain significance. Review status: criteria provided, multiple submitters, no conflicts (2 of 4 stars). 2 submissions from 2 submitters: Uncertain significance (2). Last evaluated 2024-03-14.

Conditions:
Fanconi anemia (FA). Also called: Fanconi's anemia. Identifiers: Orphanet 84, MedGen C0015625, MeSH D005199, MONDO:0019391.
Spermatogenic failure 28. Identifiers: MedGen C4748117, MONDO:0054732, OMIM 618086.
Premature ovarian failure 15. Identifiers: MedGen C4748170, MONDO:0054862, OMIM 618096.

Submissions (2):

Labcorp Genetics (formerly Invitae), Labcorp
Classification: Uncertain significance for Fanconi anemia. Last evaluated: 2024-03-14. Review status: criteria provided, single submitter. Criteria: Invitae Variant Classification Sherloc (09022015). Collection method: clinical testing. Allele origin: germline.
Comment: This sequence change replaces valine, which is neutral and non-polar, with isoleucine, which is neutral and non-polar, at codon 1446 of the FANCM protein (p.Val1446Ile). This variant is present in population databases (rs753432761, gnomAD 0.002%). This variant has not been reported in the literature in individuals affected with FANCM-related conditions. Algorithms developed to predict the effect of missense changes on protein structure and function output the following: SIFT: "Not Available"; PolyPhen-2: "Benign"; Align-GVGD: "Not Available". The isoleucine amino acid residue is found in multiple mammalian species, which suggests that this missense change does not adversely affect protein function. In summary, the available evidence is currently insufficient to determine the role of this variant in disease. Therefore, it has been classified as a Variant of Uncertain Significance.

Fulgent Genetics
Classification: Uncertain significance for Spermatogenic failure 28; Premature ovarian failure 15. Last evaluated: 2024-01-08. Review status: criteria provided, single submitter. Criteria: ACMG Guidelines, 2015. Collection method: clinical testing. Allele origin: germline.